The following is an entry in ClinVar:

NM_006180.6(NTRK2):c.1013A>G (p.Asn338Ser)

Gene: NTRK2 (neurotrophic receptor tyrosine kinase 2; plus strand). Cytogenetic location: 9q21.33.
Variant type: single nucleotide variant.
Coding change: c.1013A>G on transcript NM_006180.6 (MANE Select); coding-DNA position 1013, A replaced by G.
Protein change: p.Asn338Ser; replaces asparagine 338 with serine.
Molecular consequence: missense variant.
Genome position (GRCh38, 1-based): chr9:84,727,813, A>G. VCF-style: chr9-84727813-A-G. GRCh37 (hg19) VCF-style: chr9-87342728-A-G.
Other names: c.1013A>G, p.Asn338Ser (NM_001007097.3, NM_001018064.3, NM_001018065.2 and 16 more transcripts); c.974A>G, p.Asn325Ser (NM_001291937.2, NM_001369546.1); c.545A>G, p.Asn182Ser (NM_001369535.1, NM_001369536.1, NM_001369550.1 and 2 more transcripts); short protein forms N182S, N325S, N338S.
Identifiers: ClinVar variation 4979572 (VCV004979572.1).

ClinVar aggregate classification (germline): Uncertain significance (1 of 4 stars; one submission).

Conditions:
NTRK2-related disorder. Also called: NTRK2-related condition.

gnomAD v4.1: 2 of 1,614,196 alleles (0.00012%); highest among the groups gnomAD compares: Non-Finnish European, 0.00017%; no homozygotes.

Submission:

PreventionGenetics, part of Exact Sciences
Classification: Uncertain significance for NTRK2-related condition. Last evaluated: 2025-09-12. Review status: criteria provided, single submitter. Criteria: ACMG Guidelines, 2015. Collection method: clinical testing. Allele origin: germline.
Comment: The NTRK2 c.1013A>G variant is predicted to result in the amino acid substitution p.Asn338Ser. To our knowledge, this variant has not been reported in the literature or in a large population database (gnomAD), indicating this variant is rare. At this time, the clinical significance of this variant is uncertain due to the absence of conclusive functional and genetic evidence.